The following is an entry in ClinVar:

ClinVar aggregate classification (germline): Uncertain significance (1 of 4 stars; one submission).

Conditions:
Nemaline myopathy 8 (NEM8). Also called: Nemaline myopathy 8, autosomal recessive. Identifiers: Orphanet 171430, MedGen C3809209, MONDO:0014138, OMIM 615348.

Allele frequency attached by ClinVar (database versions not stated): TOPMed 0.00002; gnomAD 0.00007.
gnomAD v4.1: 14 of 1,612,668 alleles (0.00087%); highest among the groups gnomAD compares: African/African-American, 0.016%; no homozygotes.

Submission:

Labcorp Genetics (formerly Invitae), Labcorp
Classification: Uncertain significance for Nemaline myopathy 8. Last evaluated: 2022-09-01. Review status: criteria provided, single submitter. Criteria: Invitae Variant Classification Sherloc (09022015). Collection method: clinical testing. Allele origin: germline.
Comment: This sequence change replaces arginine, which is basic and polar, with histidine, which is basic and polar, at codon 42 of the KLHL40 protein (p.Arg42His). This variant is present in population databases (no rsID available, gnomAD 0.01%). This variant has not been reported in the literature in individuals affected with KLHL40-related conditions. ClinVar contains an entry for this variant (Variation ID: 651143). Algorithms developed to predict the effect of missense changes on protein structure and function are either unavailable or do not agree on the potential impact of this missense change (SIFT: "Deleterious"; PolyPhen-2: "Possibly Damaging"; Align-GVGD: "Class C0"). In summary, the available evidence is currently insufficient to determine the role of this variant in disease. Therefore, it has been classified as a Variant of Uncertain Significance.

NM_152393.4(KLHL40):c.125G>A (p.Arg42His)

Gene: KLHL40 (kelch like family member 40; plus strand). Cytogenetic location: 3p22.1.
Variant type: single nucleotide variant.
Coding change: c.125G>A on transcript NM_152393.4 (MANE Select); coding-DNA position 125, G replaced by A.
Protein change: p.Arg42His; replaces arginine 42 with histidine.
Molecular consequence: missense variant.
Genome position (GRCh38, 1-based): chr3:42,685,743, G>A. VCF-style: chr3-42685743-G-A. GRCh37 (hg19) VCF-style: chr3-42727235-G-A.
Other names: short protein forms R42H.
Identifiers: ClinVar variation 651143 (VCV000651143.5), dbSNP rs907216548, ClinGen allele CA352288733.